The following is an entry in ClinVar:

NM_001386298.1(CIC):c.519G>A (p.Ala173=)

Gene: CIC (capicua transcriptional repressor; plus strand). Cytogenetic location: 19q13.2.
Variant type: single nucleotide variant.
Coding change: c.519G>A on transcript NM_001386298.1 (MANE Select); coding-DNA position 519, G replaced by A.
Protein change: p.Ala173=; no amino-acid change (alanine 173 retained).
Molecular consequence: synonymous variant.
Genome position (GRCh38, 1-based): chr19:42,272,302, G>A. VCF-style: chr19-42272302-G-A. GRCh37 (hg19) VCF-style: chr19-42776454-G-A.
Other names: c.519G>A, p.Ala173= (NM_001304815.2, NM_001379480.1, NM_001379482.1 and 1 more transcripts).
Identifiers: ClinVar variation 2649947 (VCV002649947.24), dbSNP rs181097578, ClinGen allele CA9471554.

ClinVar aggregate classification (germline): Likely benign (1 of 4 stars; one submission).

Allele frequency attached by ClinVar (database versions not stated): gnomAD exomes 0.00013; 1000 Genomes Project 0.00040; 1000 Genomes Project 30x 0.00109; gnomAD 0.00134; TOPMed 0.00148.
gnomAD v4.1: 241 of 398,562 alleles (0.06%); highest among the groups gnomAD compares: African/African-American, 0.45%; 1 homozygote.

Submission:

CeGaT Center for Human Genetics Tuebingen
Classification: Likely benign. Last evaluated: 2025-08-01. Review status: criteria provided, single submitter. Criteria: CeGaT Center For Human Genetics Tuebingen Variant Classification Criteria Version 2. Collection method: clinical testing. Allele origin: germline. Affected: yes. Observed: 2 variant alleles.
Comment: CIC: BP4, BP7